The following is an entry in ClinVar:

NM_013262.4(MYLIP):c.1248+4G>C

Gene: MYLIP (myosin regulatory light chain interacting protein; plus strand). Cytogenetic location: 6p22.3.
Variant type: single nucleotide variant.
Coding change: c.1248+4G>C on transcript NM_013262.4 (MANE Select); 4 bases into the intron after coding-DNA position 1248, G replaced by C.
Molecular consequence: intron variant.
Genome position (GRCh38, 1-based): chr6:16,145,321, G>C. VCF-style: chr6-16145321-G-C. GRCh37 (hg19) VCF-style: chr6-16145552-G-C.
Identifiers: ClinVar variation 2796821 (VCV002796821.3), dbSNP rs1245200112, ClinGen allele CA565828458.

ClinVar aggregate classification (germline): Uncertain significance (1 of 4 stars; one submission).

Allele frequency attached by ClinVar (database versions not stated): gnomAD exomes below 0.00001.

Submission:

Labcorp Genetics (formerly Invitae), Labcorp
Classification: Uncertain significance. Last evaluated: 2025-07-28. Review status: criteria provided, single submitter. Criteria: Invitae Variant Classification Sherloc (09022015). Collection method: clinical testing. Allele origin: germline.
Comment: This sequence change falls in intron 6 of the MYLIP gene. It does not directly change the encoded amino acid sequence of the MYLIP protein. It affects a nucleotide within the consensus splice site. This variant is present in population databases (no rsID available, gnomAD 0.004%). This variant has not been reported in the literature in individuals affected with MYLIP-related conditions. ClinVar contains an entry for this variant (Variation ID: 2796821). Variants that disrupt the consensus splice site are a relatively common cause of aberrant splicing (PMID: 17576681, 9536098). Algorithms developed to predict the effect of sequence changes on RNA splicing suggest that this variant is not likely to affect RNA splicing. In summary, the available evidence is currently insufficient to determine the role of this variant in disease. Therefore, it has been classified as a Variant of Uncertain Significance.

Literature cited by the submitters: PubMed 17576681; PubMed 9536098.